The following is an entry in ClinVar:

ClinVar aggregate classification (germline): Uncertain significance (1 of 4 stars; one submission).

Conditions:
Neuropathy, hereditary motor and sensory, type 6B (HMSN6B). Also called: Neuropathy, hereditary motor and sensory, type VIB; HMSN VIB; CHARCOT-MARIE-TOOTH DISEASE, TYPE 6B; NEUROPATHY, HEREDITARY MOTOR AND SENSORY, TYPE VIB, WITH OPTIC ATROPHY. Identifiers: MedGen C4225302, MONDO:0014671, OMIM 616505.

Allele frequency attached by ClinVar (database versions not stated): gnomAD exomes below 0.00001.
gnomAD v4.1: 1 of 1,613,828 alleles (0.000062%); highest among the groups gnomAD compares: Non-Finnish European, 0.000085%; no homozygotes.

Submission:

Labcorp Genetics (formerly Invitae), Labcorp
Classification: Uncertain significance for Neuropathy, hereditary motor and sensory, type 6B. Last evaluated: 2021-08-13. Review status: criteria provided, single submitter. Criteria: Invitae Variant Classification Sherloc (09022015). Collection method: clinical testing. Allele origin: germline.
Comment: This sequence change replaces isoleucine with valine at codon 349 of the SLC25A46 protein (p.Ile349Val). The isoleucine residue is highly conserved and there is a small physicochemical difference between isoleucine and valine. This variant is not present in population databases (ExAC no frequency). This variant has not been reported in the literature in individuals affected with SLC25A46-related conditions. Algorithms developed to predict the effect of missense changes on protein structure and function are either unavailable or do not agree on the potential impact of this missense change (SIFT: "Tolerated"; PolyPhen-2: "Probably Damaging"; Align-GVGD: "Class C15"). Algorithms developed to predict the effect of sequence changes on RNA splicing suggest that this variant may create or strengthen a splice site. In summary, the available evidence is currently insufficient to determine the role of this variant in disease. Therefore, it has been classified as a Variant of Uncertain Significance.

NM_138773.4(SLC25A46):c.1045A>G (p.Ile349Val)

Gene: SLC25A46 (solute carrier family 25 member 46; plus strand). Cytogenetic location: 5q22.1.
Variant type: single nucleotide variant.
Coding change: c.1045A>G on transcript NM_138773.4 (MANE Select); coding-DNA position 1045, A replaced by G.
Protein change: p.Ile349Val; replaces isoleucine 349 with valine.
Molecular consequence: missense variant. On other transcripts: non-coding transcript variant (1).
Genome position (GRCh38, 1-based): chr5:110,761,570, A>G. VCF-style: chr5-110761570-A-G. GRCh37 (hg19) VCF-style: chr5-110097270-A-G.
Other names: c.802A>G, p.Ile268Val (NM_001303249.3); c.772A>G, p.Ile258Val (NM_001303250.3); short protein forms I258V, I268V, I349V.
Identifiers: ClinVar variation 1003618 (VCV001003618.6), dbSNP rs1800252268, ClinGen allele CA360696918.
Genomic context (GRCh38, chr5:110,761,570, plus strand): 5'-GTTATACTTTACCCATTGGAAACAGTTTTGCACCGCCTTCACATTCAAGGAACACGCACA[A>G]TAATTGACAATACAGACCTTGGCTATGAAGTGCTTCCAATTAATACACAATATGAGGGAA-3'
Protein context (NP_620128.1, residues 339-359): HRLHIQGTRT[Ile349Val]IDNTDLGYEV